The following is an entry in ClinVar:

ClinVar aggregate classification (germline): Uncertain significance (1 of 4 stars; one submission).

Allele frequency attached by ClinVar (database versions not stated): TOPMed 0.00001.

Submission:

Labcorp Genetics (formerly Invitae), Labcorp
Classification: Uncertain significance. Last evaluated: 2023-07-21. Review status: criteria provided, single submitter. Criteria: Invitae Variant Classification Sherloc (09022015). Collection method: clinical testing. Allele origin: germline.
Comment: This sequence change replaces methionine, which is neutral and non-polar, with valine, which is neutral and non-polar, at codon 851 of the SON protein (p.Met851Val). This variant is not present in population databases (gnomAD no frequency). This variant has not been reported in the literature in individuals affected with SON-related conditions. ClinVar contains an entry for this variant (Variation ID: 2179398). An algorithm developed to predict the effect of missense changes on protein structure and function (PolyPhen-2) suggests that this variant is likely to be disruptive. In summary, the available evidence is currently insufficient to determine the role of this variant in disease. Therefore, it has been classified as a Variant of Uncertain Significance.

NM_138927.4(SON):c.2551A>G (p.Met851Val)

Gene: SON (SON DNA and RNA binding protein; plus strand). Cytogenetic location: 21q22.11.
Variant type: single nucleotide variant.
Coding change: c.2551A>G on transcript NM_138927.4 (MANE Select); coding-DNA position 2551, A replaced by G.
Protein change: p.Met851Val; replaces methionine 851 with valine.
Molecular consequence: missense variant. On other transcripts: non-coding transcript variant (1), intron variant (1).
Genome position (GRCh38, 1-based): chr21:33,551,782, A>G. VCF-style: chr21-33551782-A-G. GRCh37 (hg19) VCF-style: chr21-34924088-A-G.
Other names: c.2551A>G, p.Met851Val (NM_001291411.2, NM_001412133.1, NM_032195.3 and 2 more transcripts); c.245-5374A>G (NM_001291412.3); short protein forms M851V.
Identifiers: ClinVar variation 2179398 (VCV002179398.4), dbSNP rs2085797440, ClinGen allele CA410158242.